The following is an entry in ClinVar:

ClinVar aggregate classification (germline): Uncertain significance. Review status: criteria provided, multiple submitters, no conflicts (2 of 4 stars). 2 submissions from 2 submitters: Uncertain significance (2). Last evaluated 2026-06-04.

Conditions:
Inborn genetic diseases. Identifiers: MedGen C0950123, MeSH D030342.

Submissions (2):

Ambry Genetics
Classification: Uncertain significance for Inborn genetic diseases. Last evaluated: 2026-06-04. Review status: criteria provided, single submitter. Criteria: Ambry Variant Classification Scheme 2023. Collection method: clinical testing. Allele origin: germline.
Comment: The c.723G>C (p.E241D) alteration is located in exon 5 (coding exon 5) of the DEAF1 gene. This alteration results from a G to C substitution at nucleotide position 723, causing the glutamic acid (E) at amino acid position 241 to be replaced by an aspartic acid (D). This variant was not reported in population-based cohorts in the Genome Aggregation Database (gnomAD). Another alteration at the same codon, c.721G>A (p.E241K), has been reported as de novo in one individual; however, clinical details were not provided (Stranneheim, 2021). This amino acid position is well conserved in available vertebrate species. Based on internal structural analysis, E241D is near the KDWK motif critical to DNA-binding, but its potential impact on the motif is unclear (Gibson, 1998; Vulto-van Silfhout, 2014). The in silico prediction for this alteration is inconclusive. Based on insufficient or conflicting evidence, the clinical significance of this alteration remains unclear.

GeneDx
Classification: Uncertain significance. Last evaluated: 2023-10-10. Review status: criteria provided, single submitter. Criteria: GeneDx Variant Classification Process June 2021. Collection method: clinical testing. Allele origin: germline. Affected: yes.
Comment: Not observed at significant frequency in large population cohorts (gnomAD); In silico analysis supports that this missense variant has a deleterious effect on protein structure/function; Has not been previously published as pathogenic or benign to our knowledge

Literature cited by the submitters: PubMed 9697411 (cited by Ambry Genetics); PubMed 24726472 (cited by Ambry Genetics); PubMed 33726816 (cited by Ambry Genetics).

NM_021008.4(DEAF1):c.723G>C (p.Glu241Asp)

Gene: DEAF1 (DEAF1 transcription factor; minus strand). Cytogenetic location: 11p15.5.
Variant type: single nucleotide variant.
Coding change: c.723G>C on transcript NM_021008.4 (MANE Select); coding-DNA position 723, G replaced by C.
Protein change: p.Glu241Asp; replaces glutamic acid 241 with aspartic acid.
Molecular consequence: missense variant. On other transcripts: 5 prime UTR variant (4), intron variant (1).
Genome position (GRCh38, 1-based): chr11:686,939, C>G on the plus strand (G>C on the coding strand, the complement: DEAF1 is on the minus strand). VCF-style: chr11-686939-C-G. GRCh37 (hg19) VCF-style: chr11-686939-C-G.
Other names: c.-4G>C (NM_001367390.1, NM_001440885.1, NM_001440886.1 and 1 more transcripts); c.723G>C, p.Glu241Asp (NM_001440883.1, NM_001440884.1); c.664+972G>C (NM_001293634.2); short protein forms E241D.
Identifiers: ClinVar variation 2336360 (VCV002336360.5), dbSNP rs762475784, ClinGen allele CA378932418.